The following is an entry in ClinVar:

NM_001394062.1(MACF1):c.14111A>G (p.Gln4704Arg)

Gene: MACF1 (microtubule actin crosslinking factor 1; plus strand). Cytogenetic location: 1p34.3.
Variant type: single nucleotide variant.
Coding change: c.14111A>G on transcript NM_001394062.1 (MANE Select); coding-DNA position 14111, A replaced by G.
Protein change: p.Gln4704Arg; replaces glutamine 4704 with arginine.
Molecular consequence: missense variant.
Genome position (GRCh38, 1-based): chr1:39,385,696, A>G. VCF-style: chr1-39385696-A-G. GRCh37 (hg19) VCF-style: chr1-39851368-A-G.
Other names: c.7925A>G, p.Gln2642Arg (NM_012090.5); short protein forms Q2642R, Q4704R.
Identifiers: ClinVar variation 3392756 (VCV003392756.1).

ClinVar aggregate classification (germline): Uncertain significance (1 of 4 stars; one submission).

Submission:

GeneDx
Classification: Uncertain significance. Last evaluated: 2024-06-24. Review status: criteria provided, single submitter. Criteria: GeneDx Variant Classification Process June 2021. Collection method: clinical testing. Allele origin: germline. Affected: yes.
Comment: Not observed at significant frequency in large population cohorts (gnomAD); In silico analysis indicates that this missense variant does not alter protein structure/function; Has not been previously published as pathogenic or benign to our knowledge